The following is an entry in ClinVar:

ClinVar aggregate classification (germline): Uncertain significance (1 of 4 stars; one submission).

Conditions:
Alkuraya-Kucinskas syndrome. Identifiers: Orphanet 610569, MedGen C4693347, MONDO:0060631, OMIM 617822.

Allele frequency attached by ClinVar (database versions not stated): gnomAD exomes below 0.00001.
gnomAD v4.1: 1 of 1,614,144 alleles (0.000062%); no homozygotes.

Submission:

Centre for Mendelian Genomics, University Medical Centre Ljubljana
Classification: Uncertain significance for Alkuraya-Kucinskas syndrome. Last evaluated: 2020-01-15. Review status: criteria provided, single submitter. Criteria: ACMG Guidelines, 2015. Collection method: clinical testing. Allele origin: unknown. Affected: yes.
Comment: This variant was classified as: Uncertain significance. The available evidence on this variant's pathogenicity is insufficient or conflicting. The following ACMG criteria were applied in classifying this variant: PM2,PM3,PP3.

NM_001384125.1(BLTP1):c.4118C>G (p.Ser1373Cys)

Gene: BLTP1 (bridge-like lipid transfer protein family member 1; plus strand). Cytogenetic location: 4q27.
Variant type: single nucleotide variant.
Coding change: c.4118C>G on transcript NM_001384125.1 (MANE Select); coding-DNA position 4118, C replaced by G.
Protein change: p.Ser1373Cys; replaces serine 1373 with cysteine.
Molecular consequence: missense variant.
Genome position (GRCh38, 1-based): chr4:122,239,800, C>G. VCF-style: chr4-122239800-C-G. GRCh37 (hg19) VCF-style: chr4-123160955-C-G.
Other names: c.4118C>G, p.Ser1373Cys (NM_015312.4); short protein forms S1373C.
Identifiers: ClinVar variation 930607 (VCV000930607.3), dbSNP rs1561108343, ClinGen allele CA358090337.